The following is an entry in ClinVar:

NM_032578.4(MYPN):c.-2+4269T>C

Gene: MYPN (myopalladin; plus strand). Cytogenetic location: 10q21.3.
Variant type: single nucleotide variant.
Coding change: c.-2+4269T>C on transcript NM_032578.4 (MANE Select); 4269 bases into the intron after 2 bases upstream of the start codon, T replaced by C.
Molecular consequence: intron variant.
Genome position (GRCh38, 1-based): chr10:68,113,992, T>C. VCF-style: chr10-68113992-T-C. GRCh37 (hg19) VCF-style: chr10-69873749-T-C.
Other names: c.-2+4269T>C (NM_001256267.2); c.-1187-241T>C (NM_001256268.2).
Identifiers: ClinVar variation 1684054 (VCV001684054.2), dbSNP rs144416622, ClinGen allele CA209184722.

ClinVar aggregate classification (germline): Likely benign (1 of 4 stars; one submission).

Allele frequency attached by ClinVar (database versions not stated): gnomAD 0.00472 and 0.00508; 1000 Genomes Project 0.00539; 1000 Genomes Project 30x 0.00562; TOPMed 0.00618.
gnomAD v4.1: 719 of 152,306 alleles (0.47%); highest among the groups gnomAD compares: African/African-American, 1.6%; 10 homozygotes.

Submission:

GeneDx
Classification: Likely benign. Last evaluated: 2021-11-15. Review status: criteria provided, single submitter. Criteria: GeneDx Variant Classification Process June 2021. Collection method: clinical testing. Allele origin: germline. Affected: yes.
Comment: See Variant Classification Assertion Criteria.